The following is an entry in ClinVar:

NM_005228.5(EGFR):c.3094A>T (p.Thr1032Ser)

Gene: EGFR (epidermal growth factor receptor; plus strand). Cytogenetic location: 7p11.2.
Variant type: single nucleotide variant.
Coding change: c.3094A>T on transcript NM_005228.5 (MANE Select); coding-DNA position 3094, A replaced by T.
Protein change: p.Thr1032Ser; replaces threonine 1032 with serine.
Molecular consequence: missense variant.
Genome position (GRCh38, 1-based): chr7:55,201,335, A>T. VCF-style: chr7-55201335-A-T. GRCh37 (hg19) VCF-style: chr7-55269028-A-T.
Other names: c.2959A>T, p.Thr987Ser (NM_001346897.2, NM_001346899.2); c.3094A>T, p.Thr1032Ser (NM_001346898.2); c.2935A>T, p.Thr979Ser (NM_001346900.2); c.2293A>T, p.Thr765Ser (NM_001346941.2); short protein forms T1032S, T765S, T979S, T987S.
Identifiers: ClinVar variation 4638714 (VCV004638714.1).

ClinVar aggregate classification (germline): Uncertain significance (1 of 4 stars; one submission).

Conditions:
Hereditary cancer-predisposing syndrome. Also called: Neoplastic Syndromes, Hereditary; Tumor predisposition; Hereditary Cancer Syndrome; Hereditary neoplastic syndrome. Identifiers: Orphanet 140162, MedGen C0027672, MeSH D009386, MONDO:0015356.

Submission:

Ambry Genetics
Classification: Uncertain significance for Hereditary cancer-predisposing syndrome. Last evaluated: 2025-10-04. Review status: criteria provided, single submitter. Criteria: Ambry Variant Classification Scheme 2023. Collection method: clinical testing. Allele origin: germline.
Comment: The p.T1032S variant (also known as c.3094A>T), located in coding exon 25 of the EGFR gene, results from an A to T substitution at nucleotide position 3094. The threonine at codon 1032 is replaced by serine, an amino acid with similar properties. This amino acid position is highly conserved in available vertebrate species. In addition, the in silico prediction for this alteration is inconclusive. Based on the available evidence, the clinical significance of this variant remains unclear.